The following is an entry in ClinVar:

ClinVar aggregate classification (germline): Uncertain significance. Review status: criteria provided, multiple submitters, no conflicts (2 of 4 stars). 3 submissions from 3 submitters: Uncertain significance (3). Last evaluated 2025-04-23.

Conditions:
Dilated cardiomyopathy 1O (CMD1O). Also called: CARDIOMYOPATHY, DILATED, WITH VENTRICULAR TACHYCARDIA. Identifiers: Orphanet 154, MedGen C1837839, MONDO:0012062, OMIM 608569.

Allele frequency attached by ClinVar (database versions not stated): ExAC 0.00001; TOPMed 0.00001.

Submissions (3):

Labcorp Genetics (formerly Invitae), Labcorp
Classification: Uncertain significance for Dilated cardiomyopathy 1O. Last evaluated: 2025-04-23. Review status: criteria provided, single submitter. Criteria: Invitae Variant Classification Sherloc (09022015). Collection method: clinical testing. Allele origin: germline.
Comment: This sequence change replaces isoleucine, which is neutral and non-polar, with asparagine, which is neutral and polar, at codon 381 of the ABCC9 protein (p.Ile381Asn). This variant is present in population databases (rs397517181, gnomAD 0.0009%). This missense change has been observed in individual(s) with dilated cardiomyopathy (PMID: 27532257). ClinVar contains an entry for this variant (Variation ID: 45383). Invitae Evidence Modeling of protein sequence and biophysical properties (such as structural, functional, and spatial information, amino acid conservation, physicochemical variation, residue mobility, and thermodynamic stability) has been performed for this missense variant. However, the output from this modeling did not meet the statistical confidence thresholds required to predict the impact of this variant on ABCC9 protein function. In summary, the available evidence is currently insufficient to determine the role of this variant in disease. Therefore, it has been classified as a Variant of Uncertain Significance.

GeneDx
Classification: Uncertain significance. Last evaluated: 2022-08-26. Review status: criteria provided, single submitter. Criteria: GeneDx Variant Classification Process June 2021. Collection method: clinical testing. Allele origin: germline. Affected: yes.
Comment: Identified in a patient with DCM in published literature (Walsh et al., 2017); Not observed at significant frequency in large population cohorts (gnomAD); In silico analysis supports that this missense variant has a deleterious effect on protein structure/function; This variant is associated with the following publications: (PMID: 27532257)

Laboratory for Molecular Medicine, Mass General Brigham Personalized Medicine
Classification: Uncertain significance. Last evaluated: 2013-10-04. Review status: criteria provided, single submitter. Criteria: LMM Criteria. Collection method: clinical testing. Allele origin: germline. Observed: 3 variant alleles.
Comment: The Ile381Asn variant in ABCC9 has now been identified by our laboratory in 1 in dividual with HCM and 1 individual with DCM and has not been reported in large p opulation studies. Computational analysis (biochemical amino acid properties, co nservation, AlignGVGD, PolyPhen2, and SIFT) suggest that the Ile381Asn variant m ay impact the protein, though this information is not predictive enough to estab lish pathogenicity. Additional information is needed to fully assess the clinica l significance of the Ile381Asn variant.

Literature cited by the submitters: PubMed 27532257 (cited by Labcorp Genetics (formerly Invitae), Labcorp).

NM_020297.4(ABCC9):c.1142T>A (p.Ile381Asn)

Gene: ABCC9 (ATP binding cassette subfamily C member 9; minus strand). Cytogenetic location: 12p12.1.
Variant type: single nucleotide variant.
Coding change: c.1142T>A on transcript NM_020297.4 (MANE Select); coding-DNA position 1142, T replaced by A.
Protein change: p.Ile381Asn; replaces isoleucine 381 with asparagine.
Molecular consequence: missense variant.
Genome position (GRCh38, 1-based): chr12:21,910,848, A>T on the plus strand (T>A on the coding strand, the complement: ABCC9 is on the minus strand). VCF-style: chr12-21910848-A-T. GRCh37 (hg19) VCF-style: chr12-22063782-A-T.
Other names: c.1142T>A, p.Ile381Asn (NM_001377273.1, NM_005691.4); c.278T>A, p.Ile93Asn (NM_001377274.1); short protein forms I381N, I93N.
Identifiers: ClinVar variation 45383 (VCV000045383.11), dbSNP rs397517181, ClinGen allele CA136199.